The following is an entry in ClinVar:

ClinVar aggregate classification (germline): Uncertain significance. Review status: criteria provided, multiple submitters, no conflicts (2 of 4 stars). 5 submissions from 5 submitters: Uncertain significance (5). Last evaluated 2025-12-06.

Conditions:
Isolated focal cortical dysplasia type II (FCORD2). Also called: Focal cortical dysplasia type II; CORTICAL DYSPLASIA OF TAYLOR. Identifiers: Orphanet 268994, MedGen C1846385, MONDO:0011818, OMIM 607341, HP:0032051.
Hereditary cancer-predisposing syndrome. Also called: Hereditary Cancer Syndrome; Tumor predisposition; Neoplastic Syndromes, Hereditary; Hereditary neoplastic syndrome. Identifiers: Orphanet 140162, MedGen C0027672, MeSH D009386, MONDO:0015356.
Tuberous sclerosis syndrome (TSC). Also called: Tuberous sclerosis; Tuberous Sclerosis Complex. Identifiers: Orphanet 805, MedGen C0041341, MONDO:0001734.
Tuberous sclerosis 2 (TSC2). Identifiers: Orphanet 805, MedGen C1860707, MONDO:0013199, OMIM 613254.

Submissions (5):

Labcorp Genetics (formerly Invitae), Labcorp
Classification: Uncertain significance for Tuberous sclerosis 2. Last evaluated: 2025-12-06. Review status: criteria provided, single submitter. Criteria: Invitae Variant Classification Sherloc (09022015). Collection method: clinical testing. Allele origin: germline.
Comment: This sequence change replaces proline, which is neutral and non-polar, with alanine, which is neutral and non-polar, at codon 670 of the TSC2 protein (p.Pro670Ala). This variant is not present in population databases (gnomAD no frequency). This variant has not been reported in the literature in individuals affected with TSC2-related conditions. ClinVar contains an entry for this variant (Variation ID: 649915). Invitae Evidence Modeling of protein sequence and biophysical properties (such as structural, functional, and spatial information, amino acid conservation, physicochemical variation, residue mobility, and thermodynamic stability) indicates that this missense variant is not expected to disrupt TSC2 protein function with a negative predictive value of 95%. In summary, the available evidence is currently insufficient to determine the role of this variant in disease. Therefore, it has been classified as a Variant of Uncertain Significance.

All of Us Research Program, National Institutes of Health
Classification: Uncertain significance for Tuberous sclerosis syndrome. Last evaluated: 2024-04-16. Review status: criteria provided, single submitter. Criteria: ACMG Guidelines, 2015. Collection method: clinical testing. Allele origin: germline. Inheritance: Autosomal dominant inheritance. Observed: 1 variant allele, 1 heterozygote.
Comment: This missense variant replaces proline with alanine at codon 670 of the TSC2 protein. Computational prediction suggests that this variant may not impact protein structure and function (internally defined REVEL score threshold <= 0.5, PMID: 27666373). To our knowledge, functional studies have not been reported for this variant. This variant has not been reported in individuals affected with TSC2-related disorders in the literature. This variant has not been identified in the general population by the Genome Aggregation Database (gnomAD). The available evidence is insufficient to determine the role of this variant in disease conclusively. Therefore, this variant is classified as a Variant of Uncertain Significance.

This study involves interpretation of variants in research participants for the purpose of population health screening. Participant phenotype was not available at the time of variant classification. Additional details can be found in publication PMID: 35346344, PMCID: PMC8962531

Color Diagnostics, LLC DBA Color Health
Classification: Uncertain significance for Tuberous sclerosis syndrome. Last evaluated: 2024-03-28. Review status: criteria provided, single submitter. Criteria: ACMG Guidelines, 2015. Collection method: clinical testing. Allele origin: germline.
Comment: This missense variant replaces proline with alanine at codon 670 of the TSC2 protein. Computational prediction suggests that this variant may not impact protein structure and function. To our knowledge, functional studies have not been reported for this variant. This variant has not been reported in individuals affected with TSC2-related disorders in the literature. This variant has not been identified in the general population by the Genome Aggregation Database (gnomAD). The available evidence is insufficient to determine the role of this variant in disease conclusively. Therefore, this variant is classified as a Variant of Uncertain Significance.

Baylor Genetics
Classification: Uncertain significance for Isolated focal cortical dysplasia type II. Last evaluated: 2023-07-05. Review status: criteria provided, single submitter. Criteria: ACMG Guidelines, 2015. Collection method: clinical testing. Allele origin: unknown.

Ambry Genetics
Classification: Uncertain significance for Hereditary cancer-predisposing syndrome. Last evaluated: 2022-12-01. Review status: criteria provided, single submitter. Criteria: Ambry Variant Classification Scheme 2023. Collection method: clinical testing. Allele origin: germline.
Comment: The p.P670A variant (also known as c.2008C>G), located in coding exon 18 of the TSC2 gene, results from a C to G substitution at nucleotide position 2008. The proline at codon 670 is replaced by alanine, an amino acid with highly similar properties. This amino acid position is conserved. In addition, this alteration is predicted to be tolerated by in silico analysis. Since supporting evidence is limited at this time, the clinical significance of this alteration remains unclear.

NM_000548.5(TSC2):c.2008C>G (p.Pro670Ala)

Gene: TSC2 (TSC complex subunit 2; plus strand). Cytogenetic location: 16p13.3.
Variant type: single nucleotide variant.
Coding change: c.2008C>G on transcript NM_000548.5 (MANE Select); coding-DNA position 2008, C replaced by G.
Protein change: p.Pro670Ala; replaces proline 670 with alanine.
Molecular consequence: missense variant.
Genome position (GRCh38, 1-based): chr16:2,071,845, C>G. VCF-style: chr16-2071845-C-G. GRCh37 (hg19) VCF-style: chr16-2121846-C-G.
Other names: c.2041C>G, p.Pro681Ala (NM_001318832.2); c.2008C>G, p.Pro670Ala (NM_001363528.2, NM_001370404.1, NM_001370405.1 and 3 more transcripts); c.1897C>G, p.Pro633Ala (NM_001318827.2); c.1861C>G, p.Pro621Ala (NM_001318829.2); c.1408C>G, p.Pro470Ala (NM_001318831.2); short protein forms P470A, P633A, P670A, P621A, P681A.
Identifiers: ClinVar variation 649915 (VCV000649915.12), dbSNP rs1338802781, ClinGen allele CA394274461.
Genomic context (GRCh38, chr16:2,071,845, plus strand): 5'-GAGCCAGAGAGAGGCTCTGAGAAGAAGACCAGCGGCCCCCTTTCTCCTCCCACAGGGCCT[C>G]CTGGCCCGGCGCCTGCAGGCCCCGCCGTGCGGCTGGGGTCCGTGCCCTACTCCCTGCTCT-3'
Protein context (NP_000539.2, residues 660-680): SGPLSPPTGP[Pro670Ala]GPAPAGPAVR